The following is an entry in ClinVar:

NM_000155.4(GALT):c.940A>G (p.Asn314Asp)

Gene: GALT (galactose-1-phosphate uridylyltransferase; plus strand). Cytogenetic location: 9p13.3.
Variant type: single nucleotide variant.
Coding change: c.940A>G on transcript NM_000155.4 (MANE Select); coding-DNA position 940, A replaced by G.
Protein change: p.Asn314Asp; replaces asparagine 314 with aspartic acid.
Molecular consequence: missense variant.
Genome position (GRCh38, 1-based): chr9:34,649,445, A>G. VCF-style: chr9-34649445-A-G. GRCh37 (hg19) VCF-style: chr9-34649442-A-G.
Other names: p.N314D:AAC>GAC; NM_000155.4(GALT):c.940A>G; c.613A>G, p.Asn205Asp (NM_001258332.2); short protein forms N314D, N205D.
Identifiers: ClinVar variation 3613 (VCV000003613.76), dbSNP rs2070074, ClinGen allele CA116380.
Genomic context (GRCh38, chr9:34,649,445, plus strand): 5'-CCACTGTCTCTCTTCTTTCTGTCAGGGGCTCCCACAGGATCAGAGGCTGGGGCCAACTGG[A>G]ACCATTGGCAGCTGCACGCTCATTACTACCCTCCGCTCCTGCGCTCTGCCACTGTCCGGA-3'
Protein context (NP_000146.2, residues 304-324): PTGSEAGANW[Asn314Asp]HWQLHAHYYP

ClinVar aggregate classification (germline): Benign. Review status: reviewed by expert panel (3 of 4 stars). 25 submissions from 25 submitters: Benign (1). 24 of the submissions do not count toward it. Last evaluated 2026-06-23.

Conditions:
GALT-related disorder. Also called: GALT-related condition.
Inborn genetic diseases. Identifiers: MedGen C0950123, MeSH D030342.
Galactosemia. Also called: Galactose intolerance. Identifiers: Orphanet 352, MedGen C0016952, MONDO:0018116, HP:0004919. Disease mechanism: loss of function.
Deficiency of UDPglucose-hexose-1-phosphate uridylyltransferase. Also called: GALACTOSE-1-PHOSPHATE URIDYLYLTRANSFERASE DEFICIENCY; Transferase Deficiency Galactosemia; GALACTOSEMIA I; GALT deficiency; Galactosemia, classic. Identifiers: Orphanet 352, Orphanet 79239, MedGen C0268151, MONDO:0009258, OMIM 230400.
GALT POLYMORPHISM (DUARTE, D2).

Allele frequency attached by ClinVar (database versions not stated): gnomAD 0.07150 and 0.07384; TOPMed 0.06545; 1000 Genomes Project 30x 0.07089; gnomAD exomes 0.09168 and 0.09558; 1000 Genomes Project 0.07288; ExAC 0.09201.

Submissions 1 to 15 of 25:

Clingen Galactosemia Variant Curation Expert Panel, ClinGen
Classification: Benign for Galactosemia. Last evaluated: 2026-06-23. Review status: reviewed by expert panel. Criteria: ClinGen Galactosemia ACMG Specifications GALT V1.1. Collection method: curation. Allele origin: germline. Inheritance: Autosomal recessive inheritance.
Comment: The c.940A>G variant in GALT is a missense variant predicted to cause substitution of asparagine by aspartic acid at amino acid 314 (p.Asn314Asp). The filtering allele frequency (the lower threshold of the 95% CI of 16366/91072) of the c.940A>G variant in GALT is 0.1774 for South Asian chromosomes by gnomAD v4.1.0, which is higher than the ClinGen Galactosemia VCEP threshold (≥ 0.01 or 1%) for BA1, and therefore meets this criterion (BA1). Enzyme activity in bacterial (PMID: 25614870) and yeast expression systems (PMID: 8825075) showed nearly identical enzymatic activity to the WT protein, indicating that this variant does not impact protein function (BS3_Supporting). The computational predictor REVEL gives a SCORE of 0.382, which is neither above nor below the thresholds predicting a damaging or benign impact on GALT. In summary, this variant meets the criteria to be classified as Benign for galactosemia based on the ACMG/AMP criteria applied, as specified by the ClinGen Galactosemia VCEP: BA1, BS3_supporting (GALT specifications v1.0.0). This missense variant is associated with two haplotypes: the Los Angeles variant, where p.N314D is in linkage disequilibrium with c.652C>T (p.L218L) (Langley et al. 1997); and the Duarte variant, where p.N314D is in linkage disequilibrium with three intronic variations (c.378-27G>C, c.507+62G>A, c.508-24G>A), and a deletion in the GALT promoter (c.-119_-116delGTCA) (Elsas et al. 2001; Trbusek et al. 2001; Carney et al. 2009).

CeGaT Center for Human Genetics Tuebingen
Classification: Likely benign. Last evaluated: 2026-09-01. Review status: criteria provided, single submitter. Criteria: CeGaT Center For Human Genetics Tuebingen Variant Classification Criteria Version 2. Collection method: clinical testing. Allele origin: germline. Affected: yes. Observed: 177 variant alleles. Not counted in ClinVar's aggregate classification.
Comment: GALT: BP4

Ambry Genetics
Classification: Uncertain significance for Inborn genetic diseases. Last evaluated: 2026-06-12. Review status: criteria provided, single submitter. Criteria: Ambry Variant Classification Scheme 2023. Collection method: clinical testing. Allele origin: germline. Not counted in ClinVar's aggregate classification.
Comment: The c.940A>G (p.N314D) alteration is located in exon 10 (coding exon 10) of the GALT gene. This alteration results from a A to G substitution at nucleotide position 940, causing the asparagine (N) at amino acid position 314 to be replaced by an aspartic acid (D). Based on data from gnomAD, the G allele has an overall frequency of 8.97% (25366/282804) total alleles studied. The highest observed frequency was 18.167% (5562/30616) of South Asian alleles. Based on insufficient or conflicting evidence, the clinical significance of this alteration remains unclear.

Mendelics
Classification: Uncertain significance for Deficiency of UDPglucose-hexose-1-phosphate uridylyltransferase. Last evaluated: 2026-02-13. Review status: criteria provided, single submitter. Criteria: Mendelics Assertion Criteria 2017. Collection method: clinical testing. Allele origin: unknown. Not counted in ClinVar's aggregate classification.
Comment: Variant NM_000155.4(GALT):c.940A>G (p.Asn314Asp) as gnomAD 4.1.0 frequency of 0.09366 with 8067 homozygotes. Although the higher frequency, this variant is part of a likely pathogenic haplotype (PMID 25473725/GeneReviews). Previous ClinVar submitted interpretations are conflicting due to the higher frequency but part of a pathogenic haplotype.

Labcorp Genetics (formerly Invitae), Labcorp
Classification: Benign for Deficiency of UDPglucose-hexose-1-phosphate uridylyltransferase. Last evaluated: 2026-02-04. Review status: criteria provided, single submitter. Criteria: Invitae Variant Classification Sherloc (09022015). Collection method: clinical testing. Allele origin: germline. Not counted in ClinVar's aggregate classification.

3billion
Classification: Benign for GALT-related disorder. Last evaluated: 2026-01-26. Review status: criteria provided, single submitter. Criteria: ACMG Guidelines, 2015. Collection method: clinical testing. Allele origin: germline. Affected: yes. Not counted in ClinVar's aggregate classification.
Comment: The variant is observed as homozygous in at least two unrelated individuals/adults in the gnomAD v4.1.0 dataset. Predicted Consequence/Location: Missense variant The variant has been reported as benign without evidence for the classification (ClinVar ID: VCV000003613). Therefore, this variant is classified as Risk Allele according to the recommendation of ACMG/AMP guideline.

Genomic Medicine Center of Excellence, King Faisal Specialist Hospital and Research Centre
Classification: Likely pathogenic for Deficiency of UDPglucose-hexose-1-phosphate uridylyltransferase. Last evaluated: 2025-09-10. Review status: criteria provided, single submitter. Criteria: ACMG Guidelines, 2015. Collection method: clinical testing. Allele origin: germline. Not counted in ClinVar's aggregate classification.

Laboratory of Genetics, Children's Clinical University Hospital Latvia
Classification: Pathogenic. Last evaluated: 2025-02-16. Review status: criteria provided, single submitter. Criteria: ACMG Guidelines, 2015. Collection method: clinical testing. Allele origin: germline. Affected: yes. Not counted in ClinVar's aggregate classification.

ARUP Laboratories, Molecular Genetics and Genomics, ARUP Laboratories
Classification: Benign for Deficiency of UDPglucose-hexose-1-phosphate uridylyltransferase. Last evaluated: 2023-11-29. Review status: criteria provided, single submitter. Criteria: ARUP Molecular Germline Variant Investigation Process 2024. Collection method: clinical testing. Allele origin: germline. Not counted in ClinVar's aggregate classification.

Baylor Genetics
Classification: Pathogenic for Deficiency of UDPglucose-hexose-1-phosphate uridylyltransferase. Last evaluated: 2023-11-10. Review status: criteria provided, single submitter. Criteria: ACMG Guidelines, 2015. Collection method: clinical testing. Allele origin: unknown. Not counted in ClinVar's aggregate classification.

Mayo Clinic Laboratories, Mayo Clinic
Classification: Pathogenic. Last evaluated: 2022-06-24. Review status: criteria provided, single submitter. Criteria: ACMG Guidelines, 2015. Collection method: clinical testing. Allele origin: germline. Observed: 157 variant alleles. Not counted in ClinVar's aggregate classification.

GeneDx
Classification: Benign. Last evaluated: 2021-07-15. Review status: criteria provided, single submitter. Criteria: GeneDx Variant Classification Process June 2021. Collection method: clinical testing. Allele origin: germline. Affected: yes. Not counted in ClinVar's aggregate classification.
Comment: Observed on 25366/282804 (9%) alleles including multiple unrelated homozygous individuals in large population cohorts (Lek et al., 2016); This variant is associated with the following publications: (PMID: 2011574, 25592817, 9222760, 27005423, 8892021, 19581158, 21228398, 11152465, 22963887, 25614870, 8198125, 15841485, 25087612, 16540753, 31028937, 31194252, 19224951)

Genome-Nilou Lab
Classification: Likely benign for Deficiency of UDPglucose-hexose-1-phosphate uridylyltransferase. Last evaluated: 2021-06-10. Review status: criteria provided, single submitter. Criteria: ACMG Guidelines, 2015. Collection method: clinical testing. Allele origin: germline. Affected: no. Not counted in ClinVar's aggregate classification.

Eurofins Ntd Llc (ga)
Classification: other. Last evaluated: 2018-02-13. Review status: criteria provided, single submitter. Criteria: EGL ClinVar v180209 classification definitions. Collection method: clinical testing. Allele origin: germline. Observed: 560 variant alleles, 520 heterozygotes, 39 homozygotes, 1 hemizygote. Not counted in ClinVar's aggregate classification.

Center for Pediatric Genomic Medicine, Children's Mercy Hospital and Clinics
Classification: Pathogenic. Last evaluated: 2014-11-18. Review status: criteria provided, single submitter. Criteria: ACMG Guidelines, 2015. Collection method: clinical testing. Allele origin: germline. Not counted in ClinVar's aggregate classification.